The following is an entry in ClinVar:

ClinVar aggregate classification (germline): Uncertain significance (1 of 4 stars; one submission).

Allele frequency attached by ClinVar (database versions not stated): gnomAD exomes 0.00001.
gnomAD v4.1: 18 of 1,565,584 alleles (0.0011%); highest among the groups gnomAD compares: Non-Finnish European, 0.0016%; no homozygotes.

Submission:

Labcorp Genetics (formerly Invitae), Labcorp
Classification: Uncertain significance. Last evaluated: 2023-10-03. Review status: criteria provided, single submitter. Criteria: Invitae Variant Classification Sherloc (09022015). Collection method: clinical testing. Allele origin: germline.
Comment: This sequence change replaces leucine, which is neutral and non-polar, with valine, which is neutral and non-polar, at codon 224 of the COQ8A protein (p.Leu224Val). This variant is not present in population databases (gnomAD no frequency). This variant has not been reported in the literature in individuals affected with COQ8A-related conditions. Advanced modeling of protein sequence and biophysical properties (such as structural, functional, and spatial information, amino acid conservation, physicochemical variation, residue mobility, and thermodynamic stability) has been performed at Invitae for this missense variant, however the output from this modeling did not meet the statistical confidence thresholds required to predict the impact of this variant on COQ8A protein function. In summary, the available evidence is currently insufficient to determine the role of this variant in disease. Therefore, it has been classified as a Variant of Uncertain Significance.

NM_020247.5(COQ8A):c.670C>G (p.Leu224Val)

Gene: COQ8A (coenzyme Q8A; plus strand). Cytogenetic location: 1q42.13.
Variant type: single nucleotide variant.
Coding change: c.670C>G on transcript NM_020247.5 (MANE Select); coding-DNA position 670, C replaced by G.
Protein change: p.Leu224Val; replaces leucine 224 with valine.
Molecular consequence: missense variant.
Genome position (GRCh38, 1-based): chr1:226,977,463, C>G. VCF-style: chr1-226977463-C-G. GRCh37 (hg19) VCF-style: chr1-227165164-C-G.
Other names: short protein forms L224V.
Identifiers: ClinVar variation 3014171 (VCV003014171.3), dbSNP rs761981020, ClinGen allele CA38639824.
Genomic context (GRCh38, chr1:226,977,463, plus strand): 5'-CCCAGCCCTGCGTGAGCACTGAGTGCCCGCCCCCTCCTCCTTGCAGGTCTGGCCGTGGGC[C>G]TGGGCTTCGGGGCACTGGCAGAGGTCGCCAAGAAGAGCCTGCGCTCCGAGGACCCCTCAG-3'
Protein context (NP_064632.2, residues 214-234): LANFGGLAVG[Leu224Val]GFGALAEVAK